The following is an entry in ClinVar:

ClinVar aggregate classification (germline): Uncertain significance (1 of 4 stars; one submission).

Conditions:
Fanconi anemia (FA). Also called: Fanconi's anemia. Identifiers: Orphanet 84, MedGen C0015625, MeSH D005199, MONDO:0019391.

Allele frequency attached by ClinVar (database versions not stated): gnomAD 0.00001; gnomAD exomes 0.00001 and 0.00002; ExAC 0.00002; TOPMed 0.00002; 1000 Genomes Project 30x 0.00016; 1000 Genomes Project 0.00020.

Submission:

Labcorp Genetics (formerly Invitae), Labcorp
Classification: Uncertain significance for Fanconi anemia. Last evaluated: 2023-01-26. Review status: criteria provided, single submitter. Criteria: Invitae Variant Classification Sherloc (09022015). Collection method: clinical testing. Allele origin: germline.
Comment: ClinVar contains an entry for this variant (Variation ID: 1426200). In summary, the available evidence is currently insufficient to determine the role of this variant in disease. Therefore, it has been classified as a Variant of Uncertain Significance. Algorithms developed to predict the effect of missense changes on protein structure and function output the following: SIFT: "Tolerated"; PolyPhen-2: "Benign"; Align-GVGD: "Class C0". The leucine amino acid residue is found in multiple mammalian species, which suggests that this missense change does not adversely affect protein function. This variant has not been reported in the literature in individuals affected with SLX4-related conditions. This variant is present in population databases (rs144720266, gnomAD 0.004%). This sequence change replaces proline, which is neutral and non-polar, with leucine, which is neutral and non-polar, at codon 1352 of the SLX4 protein (p.Pro1352Leu).

NM_032444.4(SLX4):c.4055C>T (p.Pro1352Leu)

Gene: SLX4 (SLX4 structure-specific endonuclease subunit; minus strand). Cytogenetic location: 16p13.3.
Variant type: single nucleotide variant.
Coding change: c.4055C>T on transcript NM_032444.4 (MANE Select); coding-DNA position 4055, C replaced by T.
Protein change: p.Pro1352Leu; replaces proline 1352 with leucine.
Molecular consequence: missense variant.
Genome position (GRCh38, 1-based): chr16:3,589,583, G>A on the plus strand (C>T on the coding strand, the complement: SLX4 is on the minus strand). VCF-style: chr16-3589583-G-A. GRCh37 (hg19) VCF-style: chr16-3639584-G-A.
Other names: short protein forms P1352L.
Identifiers: ClinVar variation 1426200 (VCV001426200.6), dbSNP rs144720266, ClinGen allele CA7865747.